The following is an entry in ClinVar:

ClinVar aggregate classification (germline): Likely benign (1 of 4 stars; one submission).

Conditions:
ATG16L1-related disorder. Also called: ATG16L1-related condition.

gnomAD v4.1: 6 of 1,613,284 alleles (0.00037%); highest among the groups gnomAD compares: East Asian, 0.0022%; no homozygotes.

Submission:

PreventionGenetics, part of Exact Sciences
Classification: Likely benign for ATG16L1-related condition. Last evaluated: 2026-03-11. Review status: criteria provided, single submitter. Criteria: ACMG Guidelines, 2015. Collection method: clinical testing. Allele origin: germline.
Comment: This variant is classified as likely benign based on ACMG/AMP sequence variant interpretation guidelines (Richards et al. 2015 PMID: 25741868, with internal and published modifications).

NM_030803.7(ATG16L1):c.708G>A (p.Gln236=)

Gene: ATG16L1 (autophagy related 16 like 1; plus strand). Cytogenetic location: 2q37.1.
Variant type: single nucleotide variant.
Coding change: c.708G>A on transcript NM_030803.7 (MANE Select); coding-DNA position 708, G replaced by A.
Protein change: p.Gln236=; no amino-acid change (glutamine 236 retained).
Molecular consequence: synonymous variant.
Genome position (GRCh38, 1-based): chr2:233,272,966, G>A. VCF-style: chr2-233272966-G-A. GRCh37 (hg19) VCF-style: chr2-234181612-G-A.
Other names: c.456G>A, p.Gln152= (NM_001190266.2); c.360G>A, p.Gln120= (NM_001190267.2); c.708G>A, p.Gln236= (NM_001363742.2, NM_017974.4); c.276G>A, p.Gln92= (NM_198890.3).
Identifiers: ClinVar variation 4989281 (VCV004989281.1).